The following is an entry in ClinVar:

ClinVar aggregate classification (germline): Uncertain significance (1 of 4 stars; one submission).

Conditions:
Familial thoracic aortic aneurysm and aortic dissection (TAAD). Also called: Thoracic aortic aneurysms and dissections. Identifiers: Orphanet 91387, MedGen C4707243, MONDO:0019625.

Allele frequency attached by ClinVar (database versions not stated): gnomAD 0.00001; ESP Exome Variant Server 0.00010.
gnomAD v4.1: 10 of 1,209,304 alleles (0.00083%); highest among the groups gnomAD compares: African/African-American, 0.0018%; no homozygotes.

Submission:

Ambry Genetics
Classification: Uncertain significance for Familial thoracic aortic aneurysm and aortic dissection. Last evaluated: 2022-12-09. Review status: criteria provided, single submitter. Criteria: Ambry Variant Classification Scheme 2023. Collection method: clinical testing. Allele origin: germline.
Comment: The p.A502T variant (also known as c.1504G>A), located in coding exon 11 of the MED12 gene, results from a G to A substitution at nucleotide position 1504. The alanine at codon 502 is replaced by threonine, an amino acid with similar properties. This amino acid position is conserved. In addition, this alteration is predicted to be tolerated by in silico analysis. Since supporting evidence is limited at this time, the clinical significance of this alteration remains unclear.

NM_005120.3(MED12):c.1504G>A (p.Ala502Thr)

Genes: MED12 (mediator complex subunit 12; plus strand), LOC126863275 (BRD4-independent group 4 enhancer GRCh37_chrX:70342400-70343599; plus strand). Cytogenetic location: Xq13.1.
Variant type: single nucleotide variant.
Coding change: c.1504G>A on transcript NM_005120.3 (MANE Select); coding-DNA position 1504, G replaced by A.
Protein change: p.Ala502Thr; replaces alanine 502 with threonine.
Molecular consequence: missense variant.
Genome position (GRCh38, 1-based): chrX:71,123,113, G>A. VCF-style: chrX-71123113-G-A. GRCh37 (hg19) VCF-style: chrX-70342963-G-A.
Other names: short protein forms A502T.
Identifiers: ClinVar variation 2450598 (VCV002450598.2), dbSNP rs370204234, ClinGen allele CA10444194.